The following is an entry in ClinVar:

NM_153766.3(KCNJ1):c.514A>C (p.Thr172Pro)

Gene: KCNJ1 (potassium inwardly rectifying channel subfamily J member 1; minus strand). Cytogenetic location: 11q24.3.
Variant type: single nucleotide variant.
Coding change: c.514A>C on transcript NM_153766.3 (MANE Select); coding-DNA position 514, A replaced by C.
Protein change: p.Thr172Pro; replaces threonine 172 with proline.
Molecular consequence: missense variant.
Genome position (GRCh38, 1-based): chr11:128,839,730, T>G on the plus strand (A>C on the coding strand, the complement: KCNJ1 is on the minus strand). VCF-style: chr11-128839730-T-G. GRCh37 (hg19) VCF-style: chr11-128709625-T-G.
Other names: c.571A>C, p.Thr191Pro (NM_000220.6); c.514A>C, p.Thr172Pro (NM_153764.3, NM_153767.4); c.565A>C, p.Thr189Pro (NM_153765.3); short protein forms T172P, T189P, T191P.
Identifiers: ClinVar variation 2627549 (VCV002627549.1), dbSNP rs1049368346, ClinGen allele CA383244853.

ClinVar aggregate classification (germline): Pathogenic (1 of 4 stars; one submission).

Conditions:
Bartter disease type 2. Also called: HYPOKALEMIC ALKALOSIS WITH HYPERCALCIURIA 2, ANTENATAL; Bartter syndrome, type 2, antenatal; HYPERPROSTAGLANDIN E SYNDROME 2. Identifiers: Orphanet 112, Orphanet 620220, MedGen C1855849, MONDO:0009424, OMIM 241200.

Submission:

Institute of Medical Genetics and Genomics, Sir Ganga Ram Hospital
Classification: Pathogenic for Bartter disease type 2. Last evaluated: 2023-10-27. Review status: criteria provided, single submitter. Criteria: ACMG Guidelines, 2015. Collection method: clinical testing. Allele origin: germline. Inheritance: Autosomal recessive inheritance. Affected: yes. Observed: 1 compound heterozygote.
Comment: This nucleotide change is absent in gnomAD database [PM2]. Insilico prediction [REVEL=0.81] predicts deleterious nature of this variant [PP3]. This variant is identified in trans [PM3] with another previously pathogenic reported variant p.Leu220Phe (Clinvar Variation ID: 872043). To our knowledge, clinvar entry for Thr191Pro variant is not available. Based on the clinical correlation and available evidence, this variant is classified as "Pathogenic".